The following is an entry in ClinVar:

ClinVar aggregate classification (germline): Uncertain significance (1 of 4 stars; one submission).

Conditions:
Gastrointestinal stromal tumor. Also called: Gastrointestinal stroma tumor; Gastrointestinal stromal tumor, somatic. Identifiers: Orphanet 44890, MedGen C0238198, MeSH D046152, MONDO:0011719, OMIM 606764, HP:0100723.

Submission:

Labcorp Genetics (formerly Invitae), Labcorp
Classification: Uncertain significance for Gastrointestinal stromal tumor. Last evaluated: 2021-09-12. Review status: criteria provided, single submitter. Criteria: Invitae Variant Classification Sherloc (09022015). Collection method: clinical testing. Allele origin: germline.
Comment: This variant has not been reported in the literature in individuals affected with PDGFRA-related conditions. This sequence change replaces alanine with serine at codon 466 of the PDGFRA protein (p.Ala466Ser). The alanine residue is moderately conserved and there is a moderate physicochemical difference between alanine and serine. This variant is not present in population databases (ExAC no frequency). Algorithms developed to predict the effect of missense changes on protein structure and function (SIFT, PolyPhen-2, Align-GVGD) all suggest that this variant is likely to be tolerated. In summary, the available evidence is currently insufficient to determine the role of this variant in disease. Therefore, it has been classified as a Variant of Uncertain Significance.

NM_006206.6(PDGFRA):c.1396G>T (p.Ala466Ser)

Gene: PDGFRA (platelet derived growth factor receptor alpha; plus strand). Cytogenetic location: 4q12.
Variant type: single nucleotide variant.
Coding change: c.1396G>T on transcript NM_006206.6 (MANE Select); coding-DNA position 1396, G replaced by T.
Protein change: p.Ala466Ser; replaces alanine 466 with serine.
Molecular consequence: missense variant.
Genome position (GRCh38, 1-based): chr4:54,273,568, G>T. VCF-style: chr4-54273568-G-T. GRCh37 (hg19) VCF-style: chr4-55139735-G-T.
Other names: c.1396G>T, p.Ala466Ser (NM_001347827.2, NM_001347829.2); c.1471G>T, p.Ala491Ser (NM_001347828.2); c.1435G>T, p.Ala479Ser (NM_001347830.2); short protein forms A479S, A466S, A491S.
Identifiers: ClinVar variation 1363064 (VCV001363064.6), dbSNP rs2110291481, ClinGen allele CA356892481.
Genomic context (GRCh38, chr4:54,273,568, plus strand): 5'-CCCTATACTTAGGCCCTTTTTCTCTCTAGATGTAATAATGAAACTTCCTGGACTATTTTG[G>T]CCAACAATGTCTCAAACATCATCACGGAGATCCACTCCCGAGACAGGAGTACCGTGGAGG-3'
Protein context (NP_006197.1, residues 456-476): CNNETSWTIL[Ala466Ser]NNVSNIITEI